The following is an entry in ClinVar:

NM_000053.4(ATP7B):c.2053G>A (p.Asp685Asn)

Gene: ATP7B (ATPase copper transporting beta; minus strand). Cytogenetic location: 13q14.3.
Variant type: single nucleotide variant.
Coding change: c.2053G>A on transcript NM_000053.4 (MANE Select); coding-DNA position 2053, G replaced by A.
Protein change: p.Asp685Asn; replaces aspartic acid 685 with asparagine.
Molecular consequence: missense variant. On other transcripts: intron variant (2).
Genome position (GRCh38, 1-based): chr13:51,960,216, C>T on the plus strand (G>A on the coding strand, the complement: ATP7B is on the minus strand). VCF-style: chr13-51960216-C-T. GRCh37 (hg19) VCF-style: chr13-52534352-C-T.
Other names: c.2020G>A, p.Asp674Asn (NM_001406524.1, NM_001406514.1); c.2053G>A, p.Asp685Asn (NM_001406525.1, NM_001406526.1, NM_001406527.1 and 16 more transcripts); c.1957G>A, p.Asp653Asn (NM_001406530.1, NM_001406536.1, NM_001406517.1 and 1 more transcripts); c.1720G>A, p.Asp574Asn (NM_001243182.2); c.1624G>A, p.Asp542Asn (NM_001406539.1); c.1870-2609G>A (NM_001005918.3); c.1870-1672G>A (NM_001330579.2); short protein forms D653N, D674N, D685N, D542N, D574N.
Identifiers: ClinVar variation 1897826 (VCV001897826.5), dbSNP rs2547724971, ClinGen allele CA388025037.

ClinVar aggregate classification (germline): Uncertain significance (1 of 4 stars; one submission).

Conditions:
Wilson disease (WND). Also called: Wilson's disease. Identifiers: Orphanet 905, MedGen C0019202, MONDO:0010200, OMIM 277900. Disease mechanism: loss of function.

Submission:

Labcorp Genetics (formerly Invitae), Labcorp
Classification: Uncertain significance for Wilson disease. Last evaluated: 2022-05-11. Review status: criteria provided, single submitter. Criteria: Invitae Variant Classification Sherloc (09022015). Collection method: clinical testing. Allele origin: germline.
Comment: This sequence change replaces aspartic acid, which is acidic and polar, with asparagine, which is neutral and polar, at codon 685 of the ATP7B protein (p.Asp685Asn). This variant is not present in population databases (gnomAD no frequency). This variant has not been reported in the literature in individuals affected with ATP7B-related conditions. Advanced modeling of protein sequence and biophysical properties (such as structural, functional, and spatial information, amino acid conservation, physicochemical variation, residue mobility, and thermodynamic stability) performed at Invitae indicates that this missense variant is not expected to disrupt ATP7B protein function. In summary, the available evidence is currently insufficient to determine the role of this variant in disease. Therefore, it has been classified as a Variant of Uncertain Significance.